The following is an entry in ClinVar:

ClinVar aggregate classification (germline): Uncertain significance (1 of 4 stars; one submission).

Submission:

GeneDx
Classification: Uncertain significance. Last evaluated: 2025-01-07. Review status: criteria provided, single submitter. Criteria: GeneDx Variant Classification Process June 2021. Collection method: clinical testing. Allele origin: germline. Affected: yes.
Comment: Not observed at significant frequency in large population cohorts (gnomAD); In silico analysis supports that this missense variant has a deleterious effect on protein structure/function; Has not been previously published as pathogenic or benign to our knowledge

NM_174936.4(PCSK9):c.749T>G (p.Leu250Arg)

Gene: PCSK9 (proprotein convertase subtilisin/kexin type 9; plus strand). Cytogenetic location: 1p32.3.
Variant type: single nucleotide variant.
Coding change: c.749T>G on transcript NM_174936.4 (MANE Select); coding-DNA position 749, T replaced by G.
Protein change: p.Leu250Arg; replaces leucine 250 with arginine.
Molecular consequence: missense variant. On other transcripts: non-coding transcript variant (8).
Genome position (GRCh38, 1-based): chr1:55,052,741, T>G. VCF-style: chr1-55052741-T-G. GRCh37 (hg19) VCF-style: chr1-55518414-T-G.
Other names: c.872T>G, p.Leu291Arg (NM_001407240.1); c.749T>G, p.Leu250Arg (NM_001407241.1, NM_001407244.1, NM_001407247.1); c.752T>G, p.Leu251Arg (NM_001407242.1); c.692T>G, p.Leu231Arg (NM_001407243.1); c.557T>G, p.Leu186Arg (NM_001407245.1); c.374T>G, p.Leu125Arg (NM_001407246.1); short protein forms L125R, L186R, L231R, L250R, L251R, L291R.
Identifiers: ClinVar variation 4057032 (VCV004057032.1).